The following is an entry in ClinVar:

NM_025103.4(IFT74):c.588-2A>G

Gene: IFT74 (intraflagellar transport 74; plus strand). Cytogenetic location: 9p21.2.
Variant type: single nucleotide variant.
Coding change: c.588-2A>G on transcript NM_025103.4 (MANE Select); the canonical splice acceptor site of the intron before coding-DNA position 588, A replaced by G.
Molecular consequence: splice acceptor variant.
Genome position (GRCh38, 1-based): chr9:27,009,018, A>G. VCF-style: chr9-27009018-A-G. GRCh37 (hg19) VCF-style: chr9-27009016-A-G.
Other names: c.588-2A>G (NM_001099223.3, NM_001099222.3, NM_001349928.2 and 2 more transcripts).
Identifiers: ClinVar variation 2890891 (VCV002890891.4), dbSNP rs2489422392, ClinGen allele CA373115963.

ClinVar aggregate classification (germline): Likely pathogenic. Review status: criteria provided, multiple submitters, no conflicts (2 of 4 stars). 2 submissions from 2 submitters: Likely pathogenic (2). Last evaluated 2024-11-02.

Conditions:
IFT74-related disorder. Also called: IFT74-Related Disorders; IFT74-related condition.

Submissions (2):

PreventionGenetics, part of Exact Sciences
Classification: Likely pathogenic for IFT74-related condition. Last evaluated: 2024-11-02. Review status: criteria provided, single submitter. Criteria: ACMG Guidelines, 2015. Collection method: clinical testing. Allele origin: germline.
Comment: The IFT74 c.588-2A>G variant is predicted to disrupt the AG splice acceptor site and interfere with normal splicing. To our knowledge, this variant has not been reported in the literature or in a large population database (gnomAD), indicating it is rare. Loss-of-function variants in IFT74 are expected to be pathogenic. This variant is interpreted as likely pathogenic.

Labcorp Genetics (formerly Invitae), Labcorp
Classification: Likely pathogenic. Last evaluated: 2023-10-14. Review status: criteria provided, single submitter. Criteria: Invitae Variant Classification Sherloc (09022015). Collection method: clinical testing. Allele origin: germline.
Comment: This sequence change affects an acceptor splice site in intron 8 of the IFT74 gene. It is expected to disrupt RNA splicing. Variants that disrupt the donor or acceptor splice site typically lead to a loss of protein function (PMID: 16199547), and loss-of-function variants in IFT74 are known to be pathogenic (PMID: 33531668). This variant is not present in population databases (gnomAD no frequency). This variant has not been reported in the literature in individuals affected with IFT74-related conditions. Algorithms developed to predict the effect of sequence changes on RNA splicing suggest that this variant may disrupt the consensus splice site. In summary, the currently available evidence indicates that the variant is pathogenic, but additional data are needed to prove that conclusively. Therefore, this variant has been classified as Likely Pathogenic.

Literature cited by the submitters: PubMed 16199547 (cited by Labcorp Genetics (formerly Invitae), Labcorp); PubMed 33531668 (cited by Labcorp Genetics (formerly Invitae), Labcorp).